The following is an entry in ClinVar:

NM_015378.4(VPS13D):c.3391C>T (p.Pro1131Ser)

Gene: VPS13D (vacuolar protein sorting 13 homolog D; plus strand). Cytogenetic location: 1p36.22.
Variant type: single nucleotide variant.
Coding change: c.3391C>T on transcript NM_015378.4 (MANE Select); coding-DNA position 3391, C replaced by T.
Protein change: p.Pro1131Ser; replaces proline 1131 with serine.
Molecular consequence: missense variant.
Genome position (GRCh38, 1-based): chr1:12,276,979, C>T. VCF-style: chr1-12276979-C-T. GRCh37 (hg19) VCF-style: chr1-12337036-C-T.
Other names: c.3391C>T, p.Pro1131Ser (NM_018156.4); short protein forms P1131S.
Identifiers: ClinVar variation 1390620 (VCV001390620.8), dbSNP rs1641633426, ClinGen allele CA338474804.

ClinVar aggregate classification (germline): Uncertain significance (1 of 4 stars; one submission).

Allele frequency attached by ClinVar (database versions not stated): gnomAD exomes below 0.00001; TOPMed below 0.00001.
gnomAD v4.1: 2 of 1,614,050 alleles (0.00012%); highest among the groups gnomAD compares: Non-Finnish European, 0.000085%; no homozygotes.

Submission:

Labcorp Genetics (formerly Invitae), Labcorp
Classification: Uncertain significance. Last evaluated: 2022-11-08. Review status: criteria provided, single submitter. Criteria: Invitae Variant Classification Sherloc (09022015). Collection method: clinical testing. Allele origin: germline.
Comment: This sequence change replaces proline, which is neutral and non-polar, with serine, which is neutral and polar, at codon 1131 of the VPS13D protein (p.Pro1131Ser). This variant is not present in population databases (gnomAD no frequency). This variant has not been reported in the literature in individuals affected with VPS13D-related conditions. ClinVar contains an entry for this variant (Variation ID: 1390620). Advanced modeling of protein sequence and biophysical properties (such as structural, functional, and spatial information, amino acid conservation, physicochemical variation, residue mobility, and thermodynamic stability) performed at Invitae indicates that this missense variant is expected to disrupt VPS13D protein function. In summary, the available evidence is currently insufficient to determine the role of this variant in disease. Therefore, it has been classified as a Variant of Uncertain Significance.